The following is an entry in ClinVar:

ClinVar aggregate classification (germline): Uncertain significance (1 of 4 stars; one submission).

Allele frequency attached by ClinVar (database versions not stated): gnomAD exomes below 0.00001; TOPMed below 0.00001.
gnomAD v4.1: 1 of 1,605,886 alleles (0.000062%); highest among the groups gnomAD compares: Non-Finnish European, 0.000085%; no homozygotes.

Submission:

GeneDx
Classification: Uncertain significance. Last evaluated: 2022-06-10. Review status: criteria provided, single submitter. Criteria: GeneDx Variant Classification Process June 2021. Collection method: clinical testing. Allele origin: germline. Affected: yes.
Comment: Not observed at significant frequency in large population cohorts (gnomAD); In silico analysis supports that this missense variant has a deleterious effect on protein structure/function; Has not been previously published as pathogenic or benign to our knowledge

NM_170606.3(KMT2C):c.9392A>G (p.Gln3131Arg)

Gene: KMT2C (lysine methyltransferase 2C; minus strand). Cytogenetic location: 7q36.1.
Variant type: single nucleotide variant.
Coding change: c.9392A>G on transcript NM_170606.3 (MANE Select); coding-DNA position 9392, A replaced by G.
Protein change: p.Gln3131Arg; replaces glutamine 3131 with arginine.
Molecular consequence: missense variant.
Genome position (GRCh38, 1-based): chr7:152,171,325, T>C on the plus strand (A>G on the coding strand, the complement: KMT2C is on the minus strand). VCF-style: chr7-152171325-T-C. GRCh37 (hg19) VCF-style: chr7-151868410-T-C.
Other names: short protein forms Q3131R.
Identifiers: ClinVar variation 1809853 (VCV001809853.1), dbSNP rs2092954161, ClinGen allele CA370107725.